The following is an entry in ClinVar:

ClinVar aggregate classification (germline): Conflicting classifications of pathogenicity. Review status: criteria provided, conflicting classifications (1 of 4 stars). 5 submissions from 5 submitters: Uncertain significance (4); Likely benign (1). Last evaluated 2026-01-05.

Conditions:
Breast-ovarian cancer, familial, susceptibility to, 3. Also called: RAD51C-Related Breast/Ovarian Cancer. Identifiers: Orphanet 145, MedGen C3150659, MONDO:0013253, OMIM 613399.
Fanconi anemia complementation group O. Also called: RAD51C-Related Fanconi Anemia. Identifiers: Orphanet 84, MedGen C3150653, MONDO:0013248, OMIM 613390.
Hereditary cancer-predisposing syndrome. Also called: Neoplastic Syndromes, Hereditary; Tumor predisposition; Hereditary neoplastic syndrome; Hereditary Cancer Syndrome. Identifiers: Orphanet 140162, MedGen C0027672, MeSH D009386, MONDO:0015356.

Allele frequency attached by ClinVar (database versions not stated): TOPMed 0.00002; gnomAD 0.00003.
gnomAD v4.1: 3 of 1,614,104 alleles (0.00019%); highest among the groups gnomAD compares: African/African-American, 0.004%; no homozygotes.

Submissions (5):

Labcorp Genetics (formerly Invitae), Labcorp
Classification: Uncertain significance for Fanconi anemia complementation group O. Last evaluated: 2026-01-05. Review status: criteria provided, single submitter. Criteria: Invitae Variant Classification Sherloc (09022015). Collection method: clinical testing. Allele origin: germline.
Comment: This sequence change replaces valine, which is neutral and non-polar, with leucine, which is neutral and non-polar, at codon 41 of the RAD51C protein (p.Val41Leu). This variant is present in population databases (no rsID available, gnomAD 0.01%). This variant has not been reported in the literature in individuals affected with RAD51C-related conditions. ClinVar contains an entry for this variant (Variation ID: 246163). Invitae Evidence Modeling of protein sequence and biophysical properties (such as structural, functional, and spatial information, amino acid conservation, physicochemical variation, residue mobility, and thermodynamic stability) indicates that this missense variant is not expected to disrupt RAD51C protein function with a negative predictive value of 80%. In summary, the available evidence is currently insufficient to determine the role of this variant in disease. Therefore, it has been classified as a Variant of Uncertain Significance.

GeneDx
Classification: Uncertain significance. Last evaluated: 2024-03-06. Review status: criteria provided, single submitter. Criteria: GeneDx Variant Classification Process June 2021. Collection method: clinical testing. Allele origin: germline. Affected: yes.
Comment: Not observed at significant frequency in large population cohorts (gnomAD); In silico analysis supports that this missense variant does not alter protein structure/function; Has not been previously reported as pathogenic or benign to our knowledge

Ambry Genetics
Classification: Likely benign for Hereditary cancer-predisposing syndrome. Last evaluated: 2024-02-26. Review status: criteria provided, single submitter. Criteria: Ambry Variant Classification Scheme 2023. Collection method: clinical testing. Allele origin: germline.

Baylor Genetics
Classification: Uncertain significance for Breast-ovarian cancer, familial, susceptibility to, 3. Last evaluated: 2023-11-03. Review status: criteria provided, single submitter. Criteria: ACMG Guidelines, 2015. Collection method: clinical testing. Allele origin: unknown.

Fulgent Genetics
Classification: Uncertain significance for Fanconi anemia complementation group O; Breast-ovarian cancer, familial, susceptibility to, 3. Last evaluated: 2021-12-03. Review status: criteria provided, single submitter. Criteria: ACMG Guidelines, 2015. Collection method: clinical testing. Allele origin: unknown.

NM_058216.3(RAD51C):c.121G>C (p.Val41Leu)

Gene: RAD51C (RAD51 paralog C; plus strand). Cytogenetic location: 17q22.
Variant type: single nucleotide variant.
Coding change: c.121G>C on transcript NM_058216.3 (MANE Select); coding-DNA position 121, G replaced by C.
Protein change: p.Val41Leu; replaces valine 41 with leucine.
Molecular consequence: missense variant. On other transcripts: non-coding transcript variant (1).
Genome position (GRCh38, 1-based): chr17:58,692,764, G>C. VCF-style: chr17-58692764-G-C. GRCh37 (hg19) VCF-style: chr17-56770125-G-C.
Other names: c.121G>C, p.Val41Leu (NM_002876.4); short protein forms V41L.
Identifiers: ClinVar variation 246163 (VCV000246163.21), dbSNP rs879254131, ClinGen allele CA10584579.
Genomic context (GRCh38, chr17:58,692,764, plus strand): 5'-CCAGCGGTGCGGGTGAAGCTGGTGTCTGCGGGGTTCCAGACTGCTGAGGAACTCCTAGAG[G>C]TGAAACCCTCCGAGCTTAGCAAAGGTAACGACTCCTGATGGCAAGCTGAGGCACACCGGC-3'
Protein context (NP_478123.1, residues 31-51): GFQTAEELLE[Val41Leu]KPSELSKEVG